The following is an entry in ClinVar:

ClinVar aggregate classification (germline): Conflicting classifications of pathogenicity. Review status: criteria provided, conflicting classifications (1 of 4 stars). 6 submissions from 6 submitters: Likely pathogenic (3); Uncertain significance (3). Last evaluated 2026-06-03.

Conditions:
Niemann-Pick disease, type A. Also called: Infantile Neurovisceral ASMD (Niemann-Pick Disease Type A; NPD-A); SPHINGOMYELIN LIPIDOSIS; SPHINGOMYELINASE DEFICIENCY. Identifiers: Orphanet 77292, MedGen C0268242, MONDO:0009756, OMIM 257200. Disease mechanism: loss of function.
Niemann-Pick disease, type B. Also called: Chronic Visceral ASMD (Niemann-Pick Disease Type B; NPD-B). Identifiers: Orphanet 77293, MedGen C0268243, MONDO:0011871, OMIM 607616. Disease mechanism: loss of function.
Acid sphingomyelinase deficiency. Identifiers: Orphanet 618899, MedGen C5243927, MONDO:0100464.

Allele frequency attached by ClinVar (database versions not stated): gnomAD exomes 0.00001; ExAC 0.00003; TOPMed 0.00004; gnomAD 0.00005; ESP Exome Variant Server 0.00008; 1000 Genomes Project 0.00020.

Submissions (6):

Myriad Genetics, Inc.
Classification: Uncertain significance for Acid sphingomyelinase deficiency. Last evaluated: 2026-06-03. Review status: criteria provided, single submitter. Criteria: Myriad Autosomal Dominant, Autosomal Recessive and X-Linked Classification Criteria (2023). Collection method: clinical testing. Allele origin: unknown.
Comment: NM_000543.4(SMPD1):c.1828C>T(R610C) is a missense variant classified as a variant of uncertain significance in the context of Niemann-Pick disease, SMPD1-related. R610C has been observed in a case with relevant disease (PMID: 26499107). Relevant functional assessments of this variant are not available in the literature. R610C has been observed in referenced population frequency databases. In summary, there is insufficient evidence to classify NM_000543.4(SMPD1):c.1828C>T(R610C) as pathogenic or benign. Please note: this variant was assessed in the context of healthy population screening.

Labcorp Genetics (formerly Invitae), Labcorp
Classification: Likely pathogenic for Niemann-Pick disease, type B; Niemann-Pick disease, type A. Last evaluated: 2025-12-14. Review status: criteria provided, single submitter. Criteria: Invitae Variant Classification Sherloc (09022015). Collection method: clinical testing. Allele origin: germline.
Comment: This sequence change replaces arginine, which is basic and polar, with cysteine, which is neutral and slightly polar, at codon 610 of the SMPD1 protein (p.Arg610Cys). This variant is present in population databases (rs375915127, gnomAD 0.03%). This missense change has been observed in individual(s) with acid sphingomyelinase deficiency (PMID: 34660203). ClinVar contains an entry for this variant (Variation ID: 2073371). Invitae Evidence Modeling of protein sequence and biophysical properties (such as structural, functional, and spatial information, amino acid conservation, physicochemical variation, residue mobility, and thermodynamic stability) has been performed for this missense variant. However, the output from this modeling did not meet the statistical confidence thresholds required to predict the impact of this variant on SMPD1 protein function. In summary, the currently available evidence indicates that the variant is pathogenic, but additional data are needed to prove that conclusively. Therefore, this variant has been classified as Likely Pathogenic.

Otogenetics
Classification: Likely pathogenic for Niemann-Pick disease, type A; Niemann-Pick disease, type B. Last evaluated: 2025-09-02. Review status: criteria provided, single submitter. Criteria: ACMG Guidelines, 2015. Collection method: clinical testing. Allele origin: germline.
Comment: PM2: Maximum gnomAD MAF of 0.016% in African (AFR) subpopulation (<0.236% threshold); PM5: Pathogenic missense amino acid change occurs in same position: c.1829G>A (p.Arg610His) (PMID: 34288589, 34867278); PP2: Missense variant in a gene with a low rate of benign missense mutations, with missense mutation as a common mechanism of disease (PMID: 26499107);PP3: In-silico models predict deleterious effect (MetaLR = 0.75)

Women's Health and Genetics/Laboratory Corporation of America, LabCorp
Classification: Uncertain significance. Last evaluated: 2025-08-15. Review status: criteria provided, single submitter. Criteria: LabCorp Variant Classification Summary - May 2015. Collection method: clinical testing. Allele origin: germline.
Comment: Variant summary: SMPD1 c.1828C>T (p.Arg610Cys) results in a non-conservative amino acid change in the encoded protein sequence. Algorithms developed to predict the effect of missense changes on protein structure and function all suggest that this variant is likely to be disruptive. The variant allele was found at a frequency of 3.6e-05 in 247470 control chromosomes. The available data on variant occurrences in the general population are insufficient to allow any conclusion about variant significance. c.1828C>T has been observed in at least one individual affected with Niemann-Pick Disease (e.g., Zampieri_2016, Romanello_2016, Sechi_2021). At least one publication reports experimental evidence evaluating an impact on protein function (Romanello_2016). This publication reported a patient compound heterozygous with this variant and a frameshift variant that had elevated levels of 3b,5a,6b-triol and 7-KC, which can be indicative Niemann-Pick Disease. The following publications have been ascertained in the context of this evaluation (PMID: 26790753, 34660203, 26499107). ClinVar contains an entry for this variant (Variation ID: 2073371). Based on the evidence outlined above, the variant was classified as uncertain significance.

First Genomix Gene Laboratory, Genetic Diagnostics Department
Classification: Likely pathogenic for Niemann-Pick disease, type A; Niemann-Pick disease, type B. Last evaluated: 2025-03-27. Review status: criteria provided, single submitter. Criteria: ACMG Guidelines, 2015. Collection method: clinical testing. Allele origin: germline. Inheritance: Autosomal recessive inheritance. Affected: no. Observed: 1 variant allele.

Revvity Omics, Revvity
Classification: Uncertain significance. Last evaluated: 2021-10-25. Review status: criteria provided, single submitter. Criteria: ACMG Guidelines, 2015. Collection method: clinical testing. Allele origin: germline.

Literature cited by the submitters: PubMed 26499107 (cited by 3 submitters); PubMed 34660203 (cited by Labcorp Genetics (formerly Invitae), Labcorp and Women's Health and Genetics/Laboratory Corporation of America, LabCorp); PubMed 34288589 (cited by Otogenetics); PubMed 34867278 (cited by Otogenetics); PubMed 26790753 (cited by Women's Health and Genetics/Laboratory Corporation of America, LabCorp).

NM_000543.5(SMPD1):c.1828C>T (p.Arg610Cys)

Gene: SMPD1 (sphingomyelin phosphodiesterase 1; plus strand). Cytogenetic location: 11p15.4.
Variant type: single nucleotide variant.
Coding change: c.1828C>T on transcript NM_000543.5 (MANE Select); coding-DNA position 1828, C replaced by T.
Protein change: p.Arg610Cys; replaces arginine 610 with cysteine.
Molecular consequence: missense variant. On other transcripts: 3 prime UTR variant (1), non-coding transcript variant (2).
Genome position (GRCh38, 1-based): chr11:6,394,539, C>T. VCF-style: chr11-6394539-C-T. GRCh37 (hg19) VCF-style: chr11-6415769-C-T.
Other names: c.1825C>T, p.Arg609Cys (NM_001007593.3); c.*321C>T (NM_001318087.2); c.907C>T, p.Arg303Cys (NM_001318088.2); c.1696C>T, p.Arg566Cys (NM_001365135.2); short protein forms R566C, R610C, R609C, R303C.
Identifiers: ClinVar variation 2073371 (VCV002073371.12), dbSNP rs375915127, ClinGen allele CA5852994.